The following is an entry in ClinVar:

NM_004453.4(ETFDH):c.1850_1854del (p.Met617fs)

Gene: ETFDH (electron transfer flavoprotein dehydrogenase; plus strand). Cytogenetic location: 4q32.1.
Variant type: Deletion.
Coding change: c.1850_1854del on transcript NM_004453.4 (MANE Select); coding-DNA positions 1850 to 1854, 5 bases deleted (TGTAA; older notation c.1850_1854delTGTAA).
Protein change: p.Met617fs; shifts the reading frame from methionine 617.
Molecular consequence: frameshift variant.
Genome position (GRCh38, 1-based): chr4:158,708,523-158,708,527, TGTAA deleted; deleting any 5 consecutive bases within chr4:158,708,521-158,708,527 gives the same sequence; the c. name uses the placement nearest the transcript's 3' end. VCF-style (leftmost placement, unchanged base first): chr4-158708520-GAATGT-G. GRCh37 (hg19) VCF-style: chr4-159629672-GAATGT-G.
Other names: c.1709_1713del, p.Met570fs (NM_001281737.2); c.1667_1671del, p.Met556fs (NM_001281738.1); short protein forms M570fs, M556fs, M617fs.
Identifiers: ClinVar variation 2695687 (VCV002695687.3), dbSNP rs2476741902, ClinGen allele CA2697546977.

ClinVar aggregate classification (germline): Pathogenic (1 of 4 stars; one submission).

Conditions:
Multiple acyl-CoA dehydrogenase deficiency (MADD). Also called: Glutaric aciduria, type 2; Glutaric acidemia type II; GA 2; ETHYLMALONIC-ADIPICACIDURIA; GA II; Glutaric Acidemia type 2. Identifiers: Orphanet 26791, MedGen C0268596, MONDO:0009282, OMIM 231680.

Submission:

Labcorp Genetics (formerly Invitae), Labcorp
Classification: Pathogenic for Multiple acyl-CoA dehydrogenase deficiency. Last evaluated: 2024-02-19. Review status: criteria provided, single submitter. Criteria: Invitae Variant Classification Sherloc (09022015). Collection method: clinical testing. Allele origin: germline.
Comment: This sequence change disrupts the translational stop signal of the ETFDH mRNA. It is expected to extend the length of the ETFDH protein by 2 additional amino acid residues. This variant is not present in population databases (gnomAD no frequency). This variant has not been reported in the literature in individuals affected with ETFDH-related conditions. This variant disrupts a region of the ETFDH protein in which other variant(s) (p.Met617Ile) have been determined to be pathogenic (PMID: 35090233). This suggests that this is a clinically significant region of the protein, and that variants that disrupt it are likely to be disease-causing. For these reasons, this variant has been classified as Pathogenic.

Literature cited by the submitters: PubMed 35090233.